The following is an entry in ClinVar:

NM_133259.4(LRPPRC):c.4128del (p.Glu1377fs)

Gene: LRPPRC (leucine rich pentatricopeptide repeat containing; minus strand). Cytogenetic location: 2p21.
Variant type: Deletion.
Coding change: c.4128del on transcript NM_133259.4 (MANE Select); coding-DNA position 4128, one base deleted (T; older notation c.4128delT).
Protein change: p.Glu1377fs; shifts the reading frame from glutamic acid 1377.
Molecular consequence: frameshift variant.
Genome position (GRCh38, 1-based): chr2:43,889,734, A deleted on the plus strand (T on the coding strand, the reverse complement: LRPPRC is on the minus strand). VCF-style (leftmost placement, unchanged base first): chr2-43889733-CA-C. GRCh37 (hg19) VCF-style: chr2-44116872-CA-C.
Other names: c.4128del (NM_133259.3); c.4128delT (NM_133259.4); short protein forms E1377fs.
Identifiers: ClinVar variation 225408 (VCV000225408.18), dbSNP rs759052246, ClinGen allele CA1637812.
Genomic context (GRCh38, chr2:43,889,733, plus strand): 5'-TGTTATGAAGTGCACATAAATCTGCAGAGGTATTTTTTCCCCTTAATTAAGAAATACTCA[CA>C]GGGGGTTCAATGAAAGGGACAGGCTCTCCAGCATACTTCAGCAAAGATGCGTAACGCTTT-3'

ClinVar aggregate classification (germline): Uncertain significance. Review status: criteria provided, multiple submitters, no conflicts (2 of 4 stars). 6 submissions from 6 submitters: Uncertain significance (5). 1 of the submissions does not count toward it. Last evaluated 2025-04-04.

Conditions:
Congenital lactic acidosis, Saguenay-Lac-Saint-Jean type (MC4DN5). Also called: MITOCHONDRIAL COMPLEX IV DEFICIENCY, NUCLEAR TYPE 5; CYTOCHROME c OXIDASE DEFICIENCY, FRENCH CANADIAN TYPE; COX DEFICIENCY, FRENCH CANADIAN TYPE. Identifiers: Orphanet 70472, MedGen C1857355, MONDO:0009069, OMIM 220111.

Allele frequency attached by ClinVar (database versions not stated): gnomAD exomes 0.00007 and 0.00016; ESP Exome Variant Server 0.00008; gnomAD 0.00010 and 0.00012; TOPMed 0.00010; ExAC 0.00018.

Submissions (6):

Women's Health and Genetics/Laboratory Corporation of America, LabCorp
Classification: Uncertain significance. Last evaluated: 2025-04-04. Review status: criteria provided, single submitter. Criteria: LabCorp Variant Classification Summary - May 2015. Collection method: clinical testing. Allele origin: germline.
Comment: Variant summary: LRPPRC c.4128delT (p.Glu1377LysfsX10) results in a premature termination codon, predicted to cause a truncation of the encoded protein or absence of the protein due to nonsense mediated decay, which are commonly known mechanisms for disease. The variant allele was found at a frequency of 0.00016 in 251358 control chromosomes, predominantly at a frequency of 0.0019 within the East Asian subpopulation in the gnomAD database. The observed variant frequency within East Asian control individuals in the gnomAD database is approximately 3.8 fold of the estimated maximal expected allele frequency for a pathogenic variant in LRPPRC causing Leigh Syndrome, French-Canadian Type phenotype (0.0005). c.4128delT has been reported in the literature in an individual with a neurodevelopmental disability (Blue_2022). This report does not provide unequivocal conclusions about association of the variant with Leigh Syndrome, French-Canadian Type. To our knowledge, no experimental evidence demonstrating an impact on protein function has been reported. The following publication has been ascertained in the context of this evaluation (PMID: 34670123). ClinVar contains an entry for this variant (Variation ID: 225408). Based on the evidence outlined above, the variant was classified as uncertain significance.

GeneDx
Classification: Uncertain significance. Last evaluated: 2024-06-27. Review status: criteria provided, single submitter. Criteria: GeneDx Variant Classification Process June 2021. Collection method: clinical testing. Allele origin: germline. Affected: yes.
Comment: Frameshift variant predicted to result in abnormal protein length as the last 18 amino acids are replaced with 9 different amino acids; Has not been previously published as pathogenic or benign to our knowledge; This variant is associated with the following publications: (PMID: 26510951, 12529507)

Laboratory for Molecular Medicine, Mass General Brigham Personalized Medicine
Classification: Uncertain significance. Last evaluated: 2018-09-12. Review status: criteria provided, single submitter. Criteria: LMM Criteria. Collection method: clinical testing. Allele origin: germline. Observed: 1 variant allele.
Comment: Variant classified as Uncertain Significance - Favor Pathogenic. The p.Glu1377Ly sfsX10 variant in LRPPRC has not been previously reported in the literature but has been reported in ClinVar (Variation ID #225408). This variant has been ident ified in 0.19% (36/18864) of East Asian chromosomes by the Genome Aggregation Da tabase (gnomAD). This variant is predicted to cause a frameshift, which alters the protein?s amino acid sequence beginning at position 1377 and leads to a premature termination codon 10 amino acids downstre am. This termination codon occurs within the last exon and is, therefore, likely to escape nonsense mediated decay (NMD) and result in a truncated protein. In s ummary, while there is some suspicion for a pathogenic role, the clinical signif icance of the p.Glu1377LysfsX10 variant is uncertain. ACMG/AMP Criteria applied: PM2_Supporting, PVS1_Moderate.

Soonchunhyang University Bucheon Hospital, Soonchunhyang University Medical Center
Classification: Uncertain significance for Congenital lactic acidosis, Saguenay-Lac-Saint-Jean type. Last evaluated: 2016-03-18. Review status: criteria provided, single submitter. Criteria: ACMG Guidelines, 2015. Collection method: reference population. Allele origin: germline. Observed: 2 variant alleles.

Baylor Genetics
Classification: Uncertain significance for Congenital lactic acidosis, Saguenay-Lac-Saint-Jean type. Review status: criteria provided, single submitter. Criteria: ACMG Guidelines, 2015. Collection method: clinical testing. Allele origin: unknown.

Natera, Inc.
Classification: Uncertain significance for French-Canadian type Leigh syndrome. Last evaluated: 2019-10-28. Review status: no assertion criteria provided. Collection method: clinical testing. Allele origin: germline. Not counted in ClinVar's aggregate classification.

Literature cited by the submitters: PubMed 34670123 (cited by Women's Health and Genetics/Laboratory Corporation of America, LabCorp); PubMed 26510951 (cited by Soonchunhyang University Bucheon Hospital, Soonchunhyang University Medical Center); PubMed 12529507 (cited by Soonchunhyang University Bucheon Hospital, Soonchunhyang University Medical Center).